The following is an entry in ClinVar:

NM_014263.4(YME1L1):c.32A>T (p.Gln11Leu)

Gene: YME1L1 (YME1 like 1 ATPase; minus strand). Cytogenetic location: 10p12.1.
Variant type: single nucleotide variant.
Coding change: c.32A>T on transcript NM_014263.4 (MANE Select); coding-DNA position 32, A replaced by T.
Protein change: p.Gln11Leu; replaces glutamine 11 with leucine.
Molecular consequence: missense variant.
Genome position (GRCh38, 1-based): chr10:27,154,179, T>A on the plus strand (A>T on the coding strand, the complement: YME1L1 is on the minus strand). VCF-style: chr10-27154179-T-A. GRCh37 (hg19) VCF-style: chr10-27443108-T-A.
Other names: c.32A>T, p.Gln11Leu (NM_001253866.2, NM_139312.3); short protein forms Q11L.
Identifiers: ClinVar variation 2126139 (VCV002126139.4), dbSNP rs2539503247, ClinGen allele CA376379064.

ClinVar aggregate classification (germline): Uncertain significance (1 of 4 stars; one submission).

Submission:

Labcorp Genetics (formerly Invitae), Labcorp
Classification: Uncertain significance. Last evaluated: 2025-04-28. Review status: criteria provided, single submitter. Criteria: Invitae Variant Classification Sherloc (09022015). Collection method: clinical testing. Allele origin: germline.
Comment: This sequence change replaces glutamine, which is neutral and polar, with leucine, which is neutral and non-polar, at codon 11 of the YME1L1 protein (p.Gln11Leu). This variant is not present in population databases (gnomAD no frequency). This variant has not been reported in the literature in individuals affected with YME1L1-related conditions. ClinVar contains an entry for this variant (Variation ID: 2126139). An algorithm developed to predict the effect of missense changes on protein structure and function (PolyPhen-2) suggests that this variant is likely to be tolerated. Algorithms developed to predict the effect of sequence changes on RNA splicing suggest that this variant may disrupt the consensus splice site. In summary, the available evidence is currently insufficient to determine the role of this variant in disease. Therefore, it has been classified as a Variant of Uncertain Significance.